The following is an entry in ClinVar:

NM_000718.4(CACNA1B):c.1766C>T (p.Thr589Met)

Gene: CACNA1B (calcium voltage-gated channel subunit alpha1 B; plus strand). Cytogenetic location: 9q34.3.
Variant type: single nucleotide variant.
Coding change: c.1766C>T on transcript NM_000718.4 (MANE Select); coding-DNA position 1766, C replaced by T.
Protein change: p.Thr589Met; replaces threonine 589 with methionine.
Molecular consequence: missense variant.
Genome position (GRCh38, 1-based): chr9:137,984,247, C>T. VCF-style: chr9-137984247-C-T. GRCh37 (hg19) VCF-style: chr9-140878699-C-T.
Other names: c.1766C>T, p.Thr589Met (NM_001243812.2); short protein forms T589M.
Identifiers: ClinVar variation 2037776 (VCV002037776.1), dbSNP rs765266695, ClinGen allele CA5376256.

ClinVar aggregate classification (germline): Uncertain significance (1 of 4 stars; one submission).

Allele frequency attached by ClinVar (database versions not stated): gnomAD exomes below 0.00001; gnomAD 0.00001; ExAC 0.00002.
gnomAD v4.1: 6 of 1,580,398 alleles (0.00038%); highest among the groups gnomAD compares: Middle Eastern, 0.05%; no homozygotes.

Submission:

Labcorp Genetics (formerly Invitae), Labcorp
Classification: Uncertain significance. Last evaluated: 2022-04-11. Review status: criteria provided, single submitter. Criteria: Invitae Variant Classification Sherloc (09022015). Collection method: clinical testing. Allele origin: germline.
Comment: This sequence change replaces threonine, which is neutral and polar, with methionine, which is neutral and non-polar, at codon 589 of the CACNA1B protein (p.Thr589Met). The frequency data for this variant in the population databases is considered unreliable, as metrics indicate poor data quality at this position in the gnomAD database. This variant has not been reported in the literature in individuals affected with CACNA1B-related conditions. Advanced modeling of protein sequence and biophysical properties (such as structural, functional, and spatial information, amino acid conservation, physicochemical variation, residue mobility, and thermodynamic stability) performed at Invitae indicates that this missense variant is expected to disrupt CACNA1B protein function. In summary, the available evidence is currently insufficient to determine the role of this variant in disease. Therefore, it has been classified as a Variant of Uncertain Significance.